The following is an entry in ClinVar:

ClinVar aggregate classification (germline): Uncertain significance (1 of 4 stars; one submission).

Conditions:
Inborn genetic diseases. Identifiers: MedGen C0950123, MeSH D030342.

Submission:

Ambry Genetics
Classification: Uncertain significance for Inborn genetic diseases. Last evaluated: 2021-05-17. Review status: criteria provided, single submitter. Criteria: Ambry Variant Classification Scheme 2023. Collection method: clinical testing. Allele origin: germline.
Comment: The c.1147_1149delCTT (p.L383del) alteration is located in exon 9 (coding exon 9) of the ALDH6A1 gene. This alteration consists of an in-frame deletion of 3 nucleotides between nucleotide positions c.1147 and c.1149, resulting in the deletion of 1 residue. Based on insufficient or conflicting evidence, the clinical significance of this alteration remains unclear.

NM_005589.4(ALDH6A1):c.1144CTT[1] (p.Leu383del)

Genes: ALDH6A1 (aldehyde dehydrogenase 6 family member A1; minus strand), BBOF1 (basal body orientation factor 1; plus strand). Cytogenetic location: 14q24.3.
Variant type: Microsatellite.
Coding change: c.1144CTT[1] on transcript NM_005589.4 (MANE Select); one copy of the 3-base unit CTT starting at c.1144; the reference has two copies in a row; one copy, 3 bases deleted.
Protein change: p.Leu383del; deletes leucine 383.
Molecular consequence: inframe deletion.
Genome position (GRCh38, 1-based): chr14:74,066,780-74,066,782, AAG deleted on the plus strand (CTT on the coding strand, the reverse complement: ALDH6A1 is on the minus strand); deleting any 3 consecutive bases within chr14:74,066,780-74,066,785 gives the same sequence; the position shown is the placement nearest the transcript's 3' end. VCF-style (leftmost placement, unchanged base first): chr14-74066779-CAAG-C. GRCh37 (hg19) VCF-style: chr14-74533482-CAAG-C.
Other names: c.1105CTT[1], p.Leu370del (NM_001278593.2); c.682CTT[1], p.Leu229del (NM_001278594.2); short protein forms L229del, L370del, L383del.
Identifiers: ClinVar variation 2230914 (VCV002230914.2), dbSNP rs2504578227, ClinGen allele CA2580613718.
Genomic context (GRCh38, chr14:74,066,779, plus strand): 5'-TGATGGTTGGTCCAACAAAGTTGCCATTTTCATAGCCTTTCACTTTAATTTTTCGTCCAT[CAAG>C]AAGGATGGAAGCTCCCTCCTTTGTTCCACTATCAATCAGATTACAGACTCGCTCTTTGGC-3'